The following is an entry in ClinVar:

NM_020442.6(VARS2):c.2519A>G (p.Gln840Arg)

Gene: VARS2 (valyl-tRNA synthetase 2, mitochondrial; plus strand). Cytogenetic location: 6p21.33.
Variant type: single nucleotide variant.
Coding change: c.2519A>G on transcript NM_020442.6 (MANE Select); coding-DNA position 2519, A replaced by G.
Protein change: p.Gln840Arg; replaces glutamine 840 with arginine.
Molecular consequence: missense variant.
Genome position (GRCh38, 1-based): chr6:30,924,406, A>G. VCF-style: chr6-30924406-A-G. GRCh37 (hg19) VCF-style: chr6-30892183-A-G.
Other names: c.2099A>G, p.Gln700Arg (NM_001167733.3); c.2609A>G, p.Gln870Arg (NM_001167734.2); short protein forms Q700R, Q840R, Q870R.
Identifiers: ClinVar variation 3906459 (VCV003906459.1).

ClinVar aggregate classification (germline): Uncertain significance (1 of 4 stars; one submission).

gnomAD v4.1: 4 of 1,612,660 alleles (0.00025%); highest among the groups gnomAD compares: Non-Finnish European, 0.00034%; no homozygotes.

Submission:

GeneDx
Classification: Uncertain significance. Last evaluated: 2024-12-18. Review status: criteria provided, single submitter. Criteria: GeneDx Variant Classification Process June 2021. Collection method: clinical testing. Allele origin: germline. Affected: yes.
Comment: Not observed at significant frequency in large population cohorts (gnomAD); In silico analysis indicates that this missense variant does not alter protein structure/function; Has not been previously published as pathogenic or benign to our knowledge